The following is an entry in ClinVar:

NM_000110.4(DPYD):c.1020T>G (p.Ala340=)

Gene: DPYD (dihydropyrimidine dehydrogenase; minus strand). Cytogenetic location: 1p21.3.
Variant type: single nucleotide variant.
Coding change: c.1020T>G on transcript NM_000110.4 (MANE Select); coding-DNA position 1020, T replaced by G.
Protein change: p.Ala340=; no amino-acid change (alanine 340 retained).
Molecular consequence: synonymous variant.
Genome position (GRCh38, 1-based): chr1:97,593,326, A>C on the plus strand (T>G on the coding strand, the complement: DPYD is on the minus strand). VCF-style: chr1-97593326-A-C. GRCh37 (hg19) VCF-style: chr1-98058882-A-C.
Identifiers: ClinVar variation 3025321 (VCV003025321.22), dbSNP rs774390439, ClinGen allele CA963461.

ClinVar aggregate classification (germline): Likely benign (1 of 4 stars; one submission).

Allele frequency attached by ClinVar (database versions not stated): gnomAD exomes below 0.00001; ExAC 0.00001; gnomAD 0.00001; TOPMed 0.00001.
gnomAD v4.1: 4 of 1,614,042 alleles (0.00025%); highest among the groups gnomAD compares: Non-Finnish European, 0.00034%; no homozygotes.

Submission:

CeGaT Center for Human Genetics Tuebingen
Classification: Likely benign. Last evaluated: 2024-02-01. Review status: criteria provided, single submitter. Criteria: CeGaT Center For Human Genetics Tuebingen Variant Classification Criteria Version 2. Collection method: clinical testing. Allele origin: germline. Affected: yes. Observed: 1 variant allele.
Comment: DPYD: BP4, BP7